The following is an entry in ClinVar:

NM_001365308.1(BMPER):c.1129G>C (p.Gly377Arg)

Gene: BMPER (BMP binding endothelial regulator; plus strand). Cytogenetic location: 7p14.3.
Variant type: single nucleotide variant.
Coding change: c.1129G>C on transcript NM_001365308.1 (MANE Select); coding-DNA position 1129, G replaced by C.
Protein change: p.Gly377Arg; replaces glycine 377 with arginine.
Molecular consequence: missense variant.
Genome position (GRCh38, 1-based): chr7:34,078,907, G>C. VCF-style: chr7-34078907-G-C. GRCh37 (hg19) VCF-style: chr7-34118519-G-C.
Other names: c.1129G>C (NM_133468.3); c.1129G>C, p.Gly377Arg (NM_133468.5); short protein forms G377R.
Identifiers: ClinVar variation 1427910 (VCV001427910.8), dbSNP rs200294505, ClinGen allele CA4215306.
Genomic context (GRCh38, chr7:34,078,907, plus strand): 5'-TCCTCCGCAGAGCCCGGCGTTTGCACGGTGTTTGGAGATCCCCACTACAACACTTTTGAC[G>C]GTCGGACATTTAACTTTCAGGGGACGTGTCAGTACGTTTTGACAAAAGACTGCTCCTCCC-3'
Protein context (NP_001352237.1, residues 367-387): FGDPHYNTFD[Gly377Arg]RTFNFQGTCQ

ClinVar aggregate classification (germline): Uncertain significance. Review status: criteria provided, multiple submitters, no conflicts (2 of 4 stars). 3 submissions from 3 submitters: Uncertain significance (3). Last evaluated 2023-12-22.

Conditions:
Diaphanospondylodysostosis. Also called: VERTEBRAL OSSIFICATION, DEFECT IN, WITH NEPHROGENIC RESTS. Identifiers: Orphanet 66637, MedGen C1842691, MONDO:0011946, OMIM 608022.
Inborn genetic diseases. Identifiers: MedGen C0950123, MeSH D030342.

Allele frequency attached by ClinVar (database versions not stated): gnomAD 0.00005 and 0.00007; ESP Exome Variant Server 0.00008; gnomAD exomes 0.00009; TOPMed 0.00011; ExAC 0.00012; 1000 Genomes Project 30x 0.00031; 1000 Genomes Project 0.00040.
gnomAD v4.1: 136 of 1,614,168 alleles (0.0084%); highest among the groups gnomAD compares: East Asian, 0.065%; no homozygotes.

Submissions (3):

Ambry Genetics
Classification: Uncertain significance for Inborn genetic diseases. Last evaluated: 2023-12-22. Review status: criteria provided, single submitter. Criteria: Ambry Variant Classification Scheme 2023. Collection method: clinical testing. Allele origin: germline.

Labcorp Genetics (formerly Invitae), Labcorp
Classification: Uncertain significance. Last evaluated: 2021-08-14. Review status: criteria provided, single submitter. Criteria: Invitae Variant Classification Sherloc (09022015). Collection method: clinical testing. Allele origin: germline.
Comment: This sequence change replaces glycine with arginine at codon 377 of the BMPER protein (p.Gly377Arg). The glycine residue is highly conserved and there is a moderate physicochemical difference between glycine and arginine. This variant is present in population databases (rs200294505, ExAC 0.1%). This variant has not been reported in the literature in individuals affected with BMPER-related conditions. Algorithms developed to predict the effect of missense changes on protein structure and function are either unavailable or do not agree on the potential impact of this missense change (SIFT: "Deleterious"; PolyPhen-2: "Probably Damaging"; Align-GVGD: "Class C15"). In summary, the available evidence is currently insufficient to determine the role of this variant in disease. Therefore, it has been classified as a Variant of Uncertain Significance.

Juno Genomics, Hangzhou Juno Genomics, Inc
Classification: Uncertain significance for Diaphanospondylodysostosis. Review status: criteria provided, single submitter. Criteria: ACMG Guidelines, 2015. Collection method: clinical testing. Allele origin: germline.
Comment: Multiple lines of computational evidence support a deleterious effect on the gene or gene product.